The following is an entry in ClinVar:

NM_001394062.1(MACF1):c.14690G>A (p.Arg4897Lys)

Genes: MACF1 (microtubule actin crosslinking factor 1; plus strand), LOC114803468 (MACF1 eExon liver enhancer; plus strand). Cytogenetic location: 1p34.3.
Variant type: single nucleotide variant.
Coding change: c.14690G>A on transcript NM_001394062.1 (MANE Select); coding-DNA position 14690, G replaced by A.
Protein change: p.Arg4897Lys; replaces arginine 4897 with lysine.
Molecular consequence: missense variant.
Genome position (GRCh38, 1-based): chr1:39,387,532, G>A. VCF-style: chr1-39387532-G-A. GRCh37 (hg19) VCF-style: chr1-39853204-G-A.
Other names: c.8504G>A, p.Arg2835Lys (NM_012090.5); short protein forms R4897K, R2835K.
Identifiers: ClinVar variation 2372308 (VCV002372308.4), dbSNP rs617368, ClinGen allele CA782286.

ClinVar aggregate classification (germline): Conflicting classifications of pathogenicity. Review status: criteria provided, conflicting classifications (1 of 4 stars). 2 submissions from 2 submitters: Uncertain significance (1); Likely benign (1). Last evaluated 2025-03-01.

Conditions:
Inborn genetic diseases. Identifiers: MedGen C0950123, MeSH D030342.

Allele frequency attached by ClinVar (database versions not stated): ESP Exome Variant Server 0.00008; TOPMed 0.00010.
gnomAD v4.1: 260 of 1,614,002 alleles (0.016%); highest among the groups gnomAD compares: Admixed American, 0.023%; no homozygotes.

Submissions (2):

Labcorp Genetics (formerly Invitae), Labcorp
Classification: Uncertain significance. Last evaluated: 2025-03-01. Review status: criteria provided, single submitter. Criteria: Invitae Variant Classification Sherloc (09022015). Collection method: clinical testing. Allele origin: germline.
Comment: This sequence change replaces arginine, which is basic and polar, with lysine, which is basic and polar, at codon 2835 of the MACF1 protein (p.Arg2835Lys). This variant is present in population databases (rs617368, gnomAD 0.02%). This variant has not been reported in the literature in individuals affected with MACF1-related conditions. ClinVar contains an entry for this variant (Variation ID: 2372308). An algorithm developed to predict the effect of missense changes on protein structure and function (PolyPhen-2) suggests that this variant is likely to be tolerated. In summary, the available evidence is currently insufficient to determine the role of this variant in disease. Therefore, it has been classified as a Variant of Uncertain Significance.

Ambry Genetics
Classification: Likely benign for Inborn genetic diseases. Last evaluated: 2022-04-14. Review status: criteria provided, single submitter. Criteria: Ambry Variant Classification Scheme 2023. Collection method: clinical testing. Allele origin: germline.